The following is an entry in ClinVar:

NM_001134407.3(GRIN2A):c.3652C>A (p.Leu1218Ile)

Gene: GRIN2A (glutamate ionotropic receptor NMDA type subunit 2A; minus strand). Cytogenetic location: 16p13.2.
Variant type: single nucleotide variant.
Coding change: c.3652C>A on transcript NM_001134407.3 (MANE Select); coding-DNA position 3652, C replaced by A.
Protein change: p.Leu1218Ile; replaces leucine 1218 with isoleucine.
Molecular consequence: missense variant.
Genome position (GRCh38, 1-based): chr16:9,763,892, G>T on the plus strand (C>A on the coding strand, the complement: GRIN2A is on the minus strand). VCF-style: chr16-9763892-G-T. GRCh37 (hg19) VCF-style: chr16-9857749-G-T.
Other names: c.3652C>A, p.Leu1218Ile (NM_000833.5, NM_001134408.2); short protein forms L1218I.
Identifiers: ClinVar variation 4762650 (VCV004762650.1).

ClinVar aggregate classification (germline): Uncertain significance (1 of 4 stars; one submission).

Conditions:
Landau-Kleffner syndrome (FESD). Also called: EPILEPSY, FOCAL, WITH SPEECH DISORDER AND WITH OR WITHOUT MENTAL RETARDATION; APHASIA, ACQUIRED, WITH EPILEPSY. Identifiers: Orphanet 1945, Orphanet 725, Orphanet 98818, MedGen C0282512, MONDO:0009509, OMIM 245570.

gnomAD v4.1: 3 of 1,614,160 alleles (0.00019%); highest among the groups gnomAD compares: Non-Finnish European, 0.00025%; no homozygotes.

Submission:

Labcorp Genetics (formerly Invitae), Labcorp
Classification: Uncertain significance for Landau-Kleffner syndrome. Last evaluated: 2025-01-29. Review status: criteria provided, single submitter. Criteria: Invitae Variant Classification Sherloc (09022015). Collection method: clinical testing. Allele origin: germline.
Comment: This sequence change replaces leucine, which is neutral and non-polar, with isoleucine, which is neutral and non-polar, at codon 1218 of the GRIN2A protein (p.Leu1218Ile). This variant is not present in population databases (gnomAD no frequency). This variant has not been reported in the literature in individuals affected with GRIN2A-related conditions. Invitae Evidence Modeling of protein sequence and biophysical properties (such as structural, functional, and spatial information, amino acid conservation, physicochemical variation, residue mobility, and thermodynamic stability) indicates that this missense variant is not expected to disrupt GRIN2A protein function with a negative predictive value of 95%. In summary, the available evidence is currently insufficient to determine the role of this variant in disease. Therefore, it has been classified as a Variant of Uncertain Significance.